The following is an entry in ClinVar:

NM_153717.3(EVC):c.493A>G (p.Ser165Gly)

Gene: EVC (EvC ciliary complex subunit 1; plus strand). Cytogenetic location: 4p16.2.
Variant type: single nucleotide variant.
Coding change: c.493A>G on transcript NM_153717.3 (MANE Select); coding-DNA position 493, A replaced by G.
Protein change: p.Ser165Gly; replaces serine 165 with glycine.
Molecular consequence: missense variant.
Genome position (GRCh38, 1-based): chr4:5,731,533, A>G. VCF-style: chr4-5731533-A-G. GRCh37 (hg19) VCF-style: chr4-5733260-A-G.
Other names: c.493A>G, p.Ser165Gly (NM_001306090.2, NM_001306092.2); short protein forms S165G.
Identifiers: ClinVar variation 1033172 (VCV001033172.1), dbSNP rs1259803475, ClinGen allele CA356142697.

ClinVar aggregate classification (germline): Uncertain significance (1 of 4 stars; one submission).

Conditions:
Ellis-van Creveld syndrome (EVC). Also called: EVC2-Related Ellis-van Creveld Syndrome; MESOECTODERMAL DYSPLASIA; Chondroectodermal dysplasia; EVC-Related Ellis-van Creveld Syndrome. Identifiers: Orphanet 289, MedGen C0013903, MONDO:0009162, OMIM 225500.

Submission:

Baylor Genetics
Classification: Uncertain significance for Ellis-van Creveld syndrome. Last evaluated: 2018-06-06. Review status: criteria provided, single submitter. Criteria: ACMG Guidelines, 2015. Collection method: clinical testing. Allele origin: maternal. Affected: yes.
Comment: This variant was determined to be of uncertain significance according to ACMG Guidelines, 2015 [PMID:25741868].